The following is an entry in ClinVar:

NM_001004334.4(GPR179):c.5083G>A (p.Glu1695Lys)

Gene: GPR179 (G protein-coupled receptor 179; minus strand). Cytogenetic location: 17q12.
Variant type: single nucleotide variant.
Coding change: c.5083G>A on transcript NM_001004334.4 (MANE Select); coding-DNA position 5083, G replaced by A.
Protein change: p.Glu1695Lys; replaces glutamic acid 1695 with lysine.
Molecular consequence: missense variant.
Genome position (GRCh38, 1-based): chr17:38,328,486, C>T on the plus strand (G>A on the coding strand, the complement: GPR179 is on the minus strand). VCF-style: chr17-38328486-C-T. GRCh37 (hg19) VCF-style: chr17-36484369-C-T.
Other names: short protein forms E1695K.
Identifiers: ClinVar variation 322981 (VCV000322981.12), dbSNP rs199697891, ClinGen allele CA10649155.
Genomic context (GRCh38, chr17:38,328,486, plus strand): 5'-CCCCTGCTCCAGCACCCACCTCCCAGGGACAGATTTCTGCCTTCCCAGCAGTCAAGTTTT[C>T]CTCCACATCCAAAGGGCAAATGTCGGCAGCTTTGCTTCCCACACTGCCTGACATCTGGAG-3'
Protein context (NP_001004334.3, residues 1685-1705): AADICPLDVE[Glu1695Lys]NLTAGKAEIC

ClinVar aggregate classification (germline): Uncertain significance. Review status: criteria provided, multiple submitters, no conflicts (2 of 4 stars). 5 submissions from 5 submitters: Uncertain significance (4). 1 of the submissions does not count toward it. Last evaluated 2025-11-26.

Conditions:
Inborn genetic diseases. Identifiers: MedGen C0950123, MeSH D030342.
Optic atrophy. Identifiers: MedGen C0029124, MONDO:0003608, HP:0000648.
Congenital stationary night blindness 1E. Also called: Night blindness, congenital stationary (complete), 1E, autosomal recessive. Identifiers: Orphanet 215, MedGen C3281215, MONDO:0013807, OMIM 614565.

Allele frequency attached by ClinVar (database versions not stated): TOPMed 0.00014; gnomAD 0.00016 and 0.00017; gnomAD exomes 0.00016 and 0.00030; ExAC 0.00017; ESP Exome Variant Server 0.00025.
gnomAD v4.1: 456 of 1,612,814 alleles (0.028%); highest among the groups gnomAD compares: Non-Finnish European, 0.037%; no homozygotes.

Submissions (5):

Ambry Genetics
Classification: Uncertain significance for Inborn genetic diseases. Last evaluated: 2025-11-26. Review status: criteria provided, single submitter. Criteria: Ambry Variant Classification Scheme 2023. Collection method: clinical testing. Allele origin: germline.

Blueprint Genetics
Classification: Uncertain significance. Last evaluated: 2024-11-25. Review status: criteria provided, single submitter. Criteria: ACMG Guidelines, 2015. Collection method: clinical testing. Allele origin: germline.

Labcorp Genetics (formerly Invitae), Labcorp
Classification: Uncertain significance. Last evaluated: 2022-10-13. Review status: criteria provided, single submitter. Criteria: Invitae Variant Classification Sherloc (09022015). Collection method: clinical testing. Allele origin: germline.
Comment: This sequence change replaces glutamic acid, which is acidic and polar, with lysine, which is basic and polar, at codon 1695 of the GPR179 protein (p.Glu1695Lys). This variant is present in population databases (rs199697891, gnomAD 0.03%). This variant has not been reported in the literature in individuals affected with GPR179-related conditions. ClinVar contains an entry for this variant (Variation ID: 322981). Algorithms developed to predict the effect of missense changes on protein structure and function are either unavailable or do not agree on the potential impact of this missense change (SIFT: "Deleterious"; PolyPhen-2: "Benign"; Align-GVGD: "Class C0"). In summary, the available evidence is currently insufficient to determine the role of this variant in disease. Therefore, it has been classified as a Variant of Uncertain Significance.

Illumina Laboratory Services, Illumina
Classification: Uncertain significance for Congenital stationary night blindness 1E. Last evaluated: 2018-01-12. Review status: criteria provided, single submitter. Criteria: ICSL Variant Classification Criteria 13 December 2019. Collection method: clinical testing. Allele origin: germline.

Institute of Human Genetics, Univ. Regensburg, Univ. Regensburg
Classification: Uncertain significance for Optic atrophy. Last evaluated: 2023-01-01. Review status: no assertion criteria provided. Criteria: ACMG Guidelines, 2015. Collection method: clinical testing. Allele origin: germline. Affected: yes. Not counted in ClinVar's aggregate classification.